The following is an entry in ClinVar:

ClinVar aggregate classification (germline): Uncertain significance (1 of 4 stars; one submission).

Conditions:
Inborn genetic diseases. Identifiers: MedGen C0950123, MeSH D030342.

gnomAD v4.1: 8 of 1,614,076 alleles (0.0005%); highest among the groups gnomAD compares: South Asian, 0.0033%; no homozygotes.

Submission:

Ambry Genetics
Classification: Uncertain significance for Inborn genetic diseases. Last evaluated: 2025-04-06. Review status: criteria provided, single submitter. Criteria: Ambry Variant Classification Scheme 2023. Collection method: clinical testing. Allele origin: germline.
Comment: The p.K97E variant (also known as c.289A>G), located in coding exon 1 of the SAMD9 gene, results from an A to G substitution at nucleotide position 289. The lysine at codon 97 is replaced by glutamic acid, an amino acid with similar properties. This amino acid position is conserved. In addition, this alteration is predicted to be tolerated by in silico analysis. Based on the available evidence, the clinical significance of this variant remains unclear.

NM_017654.4(SAMD9):c.289A>G (p.Lys97Glu)

Gene: SAMD9 (sterile alpha motif domain containing 9; minus strand). Cytogenetic location: 7q21.2.
Variant type: single nucleotide variant.
Coding change: c.289A>G on transcript NM_017654.4 (MANE Select); coding-DNA position 289, A replaced by G.
Protein change: p.Lys97Glu; replaces lysine 97 with glutamic acid.
Molecular consequence: missense variant.
Genome position (GRCh38, 1-based): chr7:93,105,809, T>C on the plus strand (A>G on the coding strand, the complement: SAMD9 is on the minus strand). VCF-style: chr7-93105809-T-C. GRCh37 (hg19) VCF-style: chr7-92735122-T-C.
Other names: c.289A>G, p.Lys97Glu (NM_001193307.2); short protein forms K97E.
Identifiers: ClinVar variation 3949523 (VCV003949523.1).